The following is an entry in ClinVar:

ClinVar aggregate classification (germline): Uncertain significance (1 of 4 stars; one submission).

Allele frequency attached by ClinVar (database versions not stated): ExAC 0.00001; gnomAD 0.00001; gnomAD exomes 0.00001; TOPMed 0.00002.
gnomAD v4.1: 7 of 1,614,084 alleles (0.00043%); highest among the groups gnomAD compares: Admixed American, 0.0083%; no homozygotes.

Submission:

Ambry Genetics
Classification: Uncertain significance. Last evaluated: 2024-11-18. Review status: criteria provided, single submitter. Criteria: Ambry Variant Classification Scheme 2023. Collection method: clinical testing. Allele origin: germline.
Comment: The p.H224P variant (also known as c.671A>C), located in coding exon 1 of the CDK12 gene, results from an A to C substitution at nucleotide position 671. The histidine at codon 224 is replaced by proline, an amino acid with similar properties. This amino acid position is conserved. In addition, this alteration is predicted to be tolerated by in silico analysis. Based on the available evidence, the clinical significance of this variant remains unclear.

NM_016507.4(CDK12):c.671A>C (p.His224Pro)

Genes: CDK12 (cyclin dependent kinase 12; plus strand), LOC126862553 (CDK7 strongly-dependent group 2 enhancer GRCh37_chr17:37618166-37619365; plus strand). Cytogenetic location: 17q12.
Variant type: single nucleotide variant.
Coding change: c.671A>C on transcript NM_016507.4 (MANE Select); coding-DNA position 671, A replaced by C.
Protein change: p.His224Pro; replaces histidine 224 with proline.
Molecular consequence: missense variant.
Genome position (GRCh38, 1-based): chr17:39,462,742, A>C. VCF-style: chr17-39462742-A-C. GRCh37 (hg19) VCF-style: chr17-37618995-A-C.
Other names: c.671A>C, p.His224Pro (NM_015083.4); short protein forms H224P.
Identifiers: ClinVar variation 3141485 (VCV003141485.2), dbSNP rs770184775, ClinGen allele CA8531013.
Genomic context (GRCh38, chr17:39,462,742, plus strand): 5'-GGGAAACACCCAAAAGTTACAAAACAGTGGACAGCCCAAAACGGAGATCCAGGAGCCCCC[A>C]CAGGAAGTGGTCTGACAGCTCCAAACAAGATGATAGCCCCTCGGGAGCTTCTTATGGCCA-3'
Protein context (NP_057591.2, residues 214-234): DSPKRRSRSP[His224Pro]RKWSDSSKQD